The following is an entry in ClinVar:

ClinVar aggregate classification (germline): Uncertain significance (1 of 4 stars; one submission).

Conditions:
Curry-Hall syndrome (WAD). Also called: WEYERS ACRODENTAL DYSOSTOSIS. Identifiers: Orphanet 952, MedGen C0457013, MONDO:0008673, OMIM 193530.
Ellis-van Creveld syndrome (EVC). Also called: EVC-Related Ellis-van Creveld Syndrome; EVC2-Related Ellis-van Creveld Syndrome; MESOECTODERMAL DYSPLASIA; Chondroectodermal dysplasia. Identifiers: Orphanet 289, MedGen C0013903, MONDO:0009162, OMIM 225500.

Submission:

Labcorp Genetics (formerly Invitae), Labcorp
Classification: Uncertain significance for Curry-Hall syndrome; Ellis-van Creveld syndrome. Last evaluated: 2024-12-02. Review status: criteria provided, single submitter. Criteria: Invitae Variant Classification Sherloc (09022015). Collection method: clinical testing. Allele origin: germline.
Comment: This sequence change replaces proline, which is neutral and non-polar, with alanine, which is neutral and non-polar, at codon 1254 of the EVC2 protein (p.Pro1254Ala). This variant is not present in population databases (gnomAD no frequency). This variant has not been reported in the literature in individuals affected with EVC2-related conditions. ClinVar contains an entry for this variant (Variation ID: 2931780). An algorithm developed to predict the effect of missense changes on protein structure and function outputs the following: PolyPhen-2: "Benign". The alanine amino acid residue is found in multiple mammalian species, which suggests that this missense change does not adversely affect protein function. In summary, the available evidence is currently insufficient to determine the role of this variant in disease. Therefore, it has been classified as a Variant of Uncertain Significance.

NM_147127.5(EVC2):c.3760C>G (p.Pro1254Ala)

Gene: EVC2 (EvC ciliary complex subunit 2; minus strand). Cytogenetic location: 4p16.2.
Variant type: single nucleotide variant.
Coding change: c.3760C>G on transcript NM_147127.5 (MANE Select); coding-DNA position 3760, C replaced by G.
Protein change: p.Pro1254Ala; replaces proline 1254 with alanine.
Molecular consequence: missense variant.
Genome position (GRCh38, 1-based): chr4:5,563,015, G>C on the plus strand (C>G on the coding strand, the complement: EVC2 is on the minus strand). VCF-style: chr4-5563015-G-C. GRCh37 (hg19) VCF-style: chr4-5564742-G-C.
Other names: c.3520C>G, p.Pro1174Ala (NM_001166136.2); short protein forms P1254A, P1174A.
Identifiers: ClinVar variation 2931780 (VCV002931780.3), dbSNP rs2475165941, ClinGen allele CA356146994.